The following is an entry in ClinVar:

NM_001145026.2(PTPRQ):c.6325C>T (p.Arg2109Trp)

Gene: PTPRQ (protein tyrosine phosphatase receptor type Q; plus strand). Cytogenetic location: 12q21.31.
Variant type: single nucleotide variant.
Coding change: c.6325C>T on transcript NM_001145026.2 (MANE Select); coding-DNA position 6325, C replaced by T.
Protein change: p.Arg2109Trp; replaces arginine 2109 with tryptophan.
Molecular consequence: missense variant.
Genome position (GRCh38, 1-based): chr12:80,669,139, C>T. VCF-style: chr12-80669139-C-T. GRCh37 (hg19) VCF-style: chr12-81062918-C-T.
Other names: short protein forms R2109W.
Identifiers: ClinVar variation 3376782 (VCV003376782.4).

ClinVar aggregate classification (germline): Uncertain significance. Review status: criteria provided, multiple submitters, no conflicts (2 of 4 stars). 3 submissions from 3 submitters: Uncertain significance (3). Last evaluated 2026-08-28.

Conditions:
PTPRQ-related disorder. Also called: PTPRQ-related condition.
Autosomal recessive nonsyndromic hearing loss 84A. Also called: DEAFNESS, AUTOSOMAL RECESSIVE 84A; DEAFNESS, AUTOSOMAL RECESSIVE 84A, WITH VESTIBULAR DYSFUNCTION. Identifiers: Orphanet 90636, MedGen C3150654, MONDO:0013249, OMIM 613391.

Submissions (3):

GeneDx
Classification: Uncertain significance. Last evaluated: 2026-08-28. Review status: criteria provided, single submitter. Criteria: GeneDx Variant Classification Process June 2021. Collection method: clinical testing. Allele origin: germline.
Comment: Not observed at significant frequency in large population cohorts (gnomAD); In silico analysis supports that this missense variant has a deleterious effect on protein structure/function; Has not been previously published as pathogenic or benign to our knowledge

PreventionGenetics, part of Exact Sciences
Classification: Uncertain significance for PTPRQ-related condition. Last evaluated: 2026-06-16. Review status: criteria provided, single submitter. Criteria: ACMG Guidelines, 2015. Collection method: clinical testing. Allele origin: germline.
Comment: The PTPRQ c.6325C>T variant is predicted to result in the amino acid substitution p.Arg2109Trp. To our knowledge, this variant has not been reported in the literature. This variant is reported in 0.0050% of alleles in individuals of European (Non-Finnish) descent in gnomAD. At this time, the clinical significance of this variant is uncertain due to the absence of conclusive functional and genetic evidence.

Victorian Clinical Genetics Services, Murdoch Childrens Research Institute
Classification: Uncertain significance for Autosomal recessive nonsyndromic hearing loss 84A. Last evaluated: 2023-07-17. Review status: criteria provided, single submitter. Criteria: ACMG Guidelines, 2015. Collection method: clinical testing. Allele origin: germline. Inheritance: Autosomal recessive inheritance. Affected: yes.
Comment: Based on the classification scheme VCGS_Germline_v1.3.4, this variant is classified as VUS-3B. Following criteria are met: 0102 - Loss of function is a known mechanism of disease in this gene and is associated with autosomal recessive deafness 84A (MIM#613391), whereas the mechanism for autosomal dominant deafness 73 (MIM#617663) is unclear. (I) 0108 - This gene is associated with both recessive and dominant disease. Biallelic variants are commonly associated with recessive deafness, and dominant deafness is only established through recent publications (PMID: 29309402, 31655630, 33229591). (I) 0115 - Variants in this gene are known to have variable expressivity. High intrafamilial variability has been reported in individuals with deafness (PMID: 31655630). (I) 0200 - Variant is predicted to result in a missense amino acid change from arginine to tryptophan. (I) 0251 - This variant is heterozygous. (I) 0304 - Variant is present in gnomAD (v3 & v2) <0.01 (11 heterozygotes, 0 homozygotes). (SP) 0309 - An alternative amino acid change at the same position has been observed in gnomAD (v3) (1 heterozygote, 0 homozygotes). (I) 0501 - Missense variant consistently predicted to be damaging by multiple in silico tools or highly conserved with a major amino acid change. (SP) 0604 - Variant is not located in an established domain, motif, hotspot or informative constraint region. (I) 0705 - No comparable missense variants have previous evidence for pathogenicity. (I) 0807 - This variant has no previous evidence of pathogenicity. (I) 0905 - No published segregation evidence has been identified for this variant. (I) 1007 - No published functional evidence has been identified for this variant. (I) Legend: (SP) - Supporting pathogenic, (I) - Information, (SB) - Supporting benign

Literature cited by the submitters: PubMed 29309402 (cited by Victorian Clinical Genetics Services, Murdoch Childrens Research Institute); PubMed 31655630 (cited by Victorian Clinical Genetics Services, Murdoch Childrens Research Institute); PubMed 33229591 (cited by Victorian Clinical Genetics Services, Murdoch Childrens Research Institute).